The following is an entry in ClinVar:

ClinVar aggregate classification (germline): Uncertain significance. Review status: criteria provided, multiple submitters, no conflicts (2 of 4 stars). 10 submissions from 10 submitters: Uncertain significance (10). Last evaluated 2026-07-20.

Conditions:
Neurodevelopmental disorder. Identifiers: MedGen C1535926, MeSH D065886, MONDO:0700092.
Bardet-Biedl syndrome 20. Identifiers: MedGen C4310707, MONDO:0023670, OMIM 619471, MONDO:0014926.
Retinitis pigmentosa 71 (RP71). Identifiers: Orphanet 791, MedGen C4225342, MONDO:0014618, OMIM 616394.
Short-rib thoracic dysplasia 10 with or without polydactyly (SRTD10). Identifiers: Orphanet 474, MedGen C3810175, MONDO:0014284, OMIM 615630.
IFT172-related disorder. Also called: IFT172-related condition; IFT172-related disorders.

Allele frequency attached by ClinVar (database versions not stated): ExAC 0.00025; ESP Exome Variant Server 0.00031; 1000 Genomes Project 0.00040; 1000 Genomes Project 30x 0.00047; gnomAD 0.00017 and 0.00018; TOPMed 0.00019.
gnomAD v4.1: 338 of 1,614,098 alleles (0.021%); highest among the groups gnomAD compares: Middle Eastern, 0.38%; 1 homozygote.

Submissions (10):

PreventionGenetics, part of Exact Sciences
Classification: Uncertain significance for IFT172-related condition. Last evaluated: 2026-07-20. Review status: criteria provided, single submitter. Criteria: ACMG Guidelines, 2015. Collection method: clinical testing. Allele origin: germline.
Comment: The IFT172 c.3435T>G variant is predicted to result in the amino acid substitution p.His1145Gln. This variant has been reported in the heterozygous state in an individual with obesity; however, a second variant was not identified (Table S1, Roberts et al. 2022. PubMed ID: 35562395). This variant is reported in 0.034% of alleles in individuals of European (Non-Finnish) descent in gnomAD. At this time, the clinical significance of this variant is uncertain due to the absence of conclusive functional and genetic evidence.

GeneDx
Classification: Uncertain significance. Last evaluated: 2026-04-11. Review status: criteria provided, single submitter. Criteria: GeneDx Variant Classification Process June 2021. Collection method: clinical testing. Allele origin: germline.
Comment: In silico analysis supports that this missense variant has a deleterious effect on protein structure/function; This variant is associated with the following publications: (PMID: 35562395)

Labcorp Genetics (formerly Invitae), Labcorp
Classification: Uncertain significance for Retinitis pigmentosa 71; Short-rib thoracic dysplasia 10 with or without polydactyly. Last evaluated: 2026-01-26. Review status: criteria provided, single submitter. Criteria: Invitae Variant Classification Sherloc (09022015). Collection method: clinical testing. Allele origin: germline.
Comment: This sequence change replaces histidine, which is basic and polar, with glutamine, which is neutral and polar, at codon 1145 of the IFT172 protein (p.His1145Gln). This variant is present in population databases (rs202111577, gnomAD 0.03%). This missense change has been observed in individual(s) with IFT172-related conditions (PMID: 35562395). ClinVar contains an entry for this variant (Variation ID: 808718). Invitae Evidence Modeling of protein sequence and biophysical properties (such as structural, functional, and spatial information, amino acid conservation, physicochemical variation, residue mobility, and thermodynamic stability) indicates that this missense variant is not expected to disrupt IFT172 protein function with a negative predictive value of 95%. In summary, the available evidence is currently insufficient to determine the role of this variant in disease. Therefore, it has been classified as a Variant of Uncertain Significance.

Blueprint Genetics
Classification: Uncertain significance. Last evaluated: 2024-10-09. Review status: criteria provided, single submitter. Criteria: ACMG Guidelines, 2015. Collection method: clinical testing. Allele origin: germline.

Fulgent Genetics
Classification: Uncertain significance for Short-rib thoracic dysplasia 10 with or without polydactyly; Retinitis pigmentosa 71; Bardet-Biedl syndrome 20. Last evaluated: 2024-03-22. Review status: criteria provided, single submitter. Criteria: ACMG Guidelines, 2015. Collection method: clinical testing. Allele origin: germline.

Laboratory of Molecular Genetics (Pr. Bezieau's lab), CHU de Nantes
Classification: Uncertain significance for Neurodevelopmental disorder. Last evaluated: 2021-12-15. Review status: criteria provided, single submitter. Criteria: ACMG Guidelines, 2015. Collection method: clinical testing. Allele origin: germline. Affected: yes.

Revvity Omics, Revvity
Classification: Uncertain significance. Last evaluated: 2021-06-16. Review status: criteria provided, single submitter. Criteria: ACMG Guidelines, 2015. Collection method: clinical testing. Allele origin: germline.

Genetic Services Laboratory, University of Chicago
Classification: Uncertain significance. Last evaluated: 2019-03-29. Review status: criteria provided, single submitter. Criteria: ACMG Guidelines, 2015. Collection method: clinical testing. Allele origin: germline. Affected: no.

CeGaT Center for Human Genetics Tuebingen
Classification: Uncertain significance. Last evaluated: 2016-09-01. Review status: criteria provided, single submitter. Criteria: CeGaT Center For Human Genetics Tuebingen Variant Classification Criteria Version 2. Collection method: clinical testing. Allele origin: germline. Affected: yes. Observed: 1 variant allele.

Breakthrough Genomics
Classification: Uncertain significance. Review status: criteria provided, single submitter. Criteria: ACMG Guidelines, 2015. Collection method: not provided. Allele origin: germline. Inheritance: Autosomal recessive inheritance. Affected: yes.

Literature cited by the submitters: PubMed 35562395 (cited by Labcorp Genetics (formerly Invitae), Labcorp).

NM_015662.3(IFT172):c.3435T>G (p.His1145Gln)

Gene: IFT172 (intraflagellar transport 172; minus strand). Cytogenetic location: 2p23.3.
Variant type: single nucleotide variant.
Coding change: c.3435T>G on transcript NM_015662.3 (MANE Select); coding-DNA position 3435, T replaced by G.
Protein change: p.His1145Gln; replaces histidine 1145 with glutamine.
Molecular consequence: missense variant.
Genome position (GRCh38, 1-based): chr2:27,454,597, A>C on the plus strand (T>G on the coding strand, the complement: IFT172 is on the minus strand). VCF-style: chr2-27454597-A-C. GRCh37 (hg19) VCF-style: chr2-27677464-A-C.
Other names: short protein forms H1145Q.
Identifiers: ClinVar variation 808718 (VCV000808718.61), dbSNP rs202111577, ClinGen allele CA1579987.